The following is an entry in ClinVar:

NM_024675.4(PALB2):c.1469C>T (p.Pro490Leu)

Gene: PALB2 (partner and localizer of BRCA2; minus strand). Cytogenetic location: 16p12.2.
Variant type: single nucleotide variant.
Coding change: c.1469C>T on transcript NM_024675.4 (MANE Select); coding-DNA position 1469, C replaced by T.
Protein change: p.Pro490Leu; replaces proline 490 with leucine.
Molecular consequence: missense variant.
Genome position (GRCh38, 1-based): chr16:23,635,077, G>A on the plus strand (C>T on the coding strand, the complement: PALB2 is on the minus strand). VCF-style: chr16-23635077-G-A. GRCh37 (hg19) VCF-style: chr16-23646398-G-A.
Other names: short protein forms P490L.
Identifiers: ClinVar variation 410202 (VCV000410202.10), dbSNP rs1060502797, ClinGen allele CA16615099.

ClinVar aggregate classification (germline): Uncertain significance. Review status: criteria provided, multiple submitters, no conflicts (2 of 4 stars). 2 submissions from 2 submitters: Uncertain significance (2). Last evaluated 2024-06-22.

Conditions:
Hereditary cancer-predisposing syndrome. Also called: Tumor predisposition; Hereditary Cancer Syndrome; Hereditary neoplastic syndrome; Neoplastic Syndromes, Hereditary. Identifiers: Orphanet 140162, MedGen C0027672, MeSH D009386, MONDO:0015356.
Familial cancer of breast. Also called: BREAST CANCER, FAMILIAL; Hereditary breast cancer; hereditary breast carcinoma. Identifiers: Orphanet 227535, MedGen C0346153, MONDO:0016419, OMIM 114480. Disease mechanism: loss of function.

Allele frequency attached by ClinVar (database versions not stated): gnomAD exomes below 0.00001.
gnomAD v4.1: 1 of 1,614,138 alleles (0.000062%); highest among the groups gnomAD compares: Non-Finnish European, 0.000085%; no homozygotes.

Submissions (2):

Ambry Genetics
Classification: Uncertain significance for Hereditary cancer-predisposing syndrome. Last evaluated: 2024-06-22. Review status: criteria provided, single submitter. Criteria: Ambry Variant Classification Scheme 2023. Collection method: clinical testing. Allele origin: germline.
Comment: The p.P490L variant (also known as c.1469C>T), located in coding exon 4 of the PALB2 gene, results from a C to T substitution at nucleotide position 1469. The proline at codon 490 is replaced by leucine, an amino acid with similar properties. This amino acid position is conserved. In addition, this alteration is predicted to be tolerated by in silico analysis. Based on the available evidence, the clinical significance of this variant remains unclear.

Labcorp Genetics (formerly Invitae), Labcorp
Classification: Uncertain significance for Familial cancer of breast. Last evaluated: 2023-05-01. Review status: criteria provided, single submitter. Criteria: Invitae Variant Classification Sherloc (09022015). Collection method: clinical testing. Allele origin: germline.
Comment: In summary, the available evidence is currently insufficient to determine the role of this variant in disease. Therefore, it has been classified as a Variant of Uncertain Significance. Advanced modeling of protein sequence and biophysical properties (such as structural, functional, and spatial information, amino acid conservation, physicochemical variation, residue mobility, and thermodynamic stability) performed at Invitae indicates that this missense variant is expected to disrupt PALB2 protein function. ClinVar contains an entry for this variant (Variation ID: 410202). This variant has not been reported in the literature in individuals affected with PALB2-related conditions. This variant is not present in population databases (gnomAD no frequency). This sequence change replaces proline, which is neutral and non-polar, with leucine, which is neutral and non-polar, at codon 490 of the PALB2 protein (p.Pro490Leu).